The following is an entry in ClinVar:

ClinVar aggregate classification (germline): Benign/Likely benign. Review status: criteria provided, multiple submitters, no conflicts (2 of 4 stars). 3 submissions from 3 submitters: Benign (1); Likely benign (1). 1 of the submissions does not count toward it. Last evaluated 2026-01-27.

Conditions:
OVOL2-related disorder. Also called: OVOL2-related condition.

Allele frequency attached by ClinVar (database versions not stated): 1000 Genomes Project 30x 0.00031; ESP Exome Variant Server 0.00039; 1000 Genomes Project 0.00040; ExAC 0.00050; gnomAD 0.00056; TOPMed 0.00062.
gnomAD v4.1: 168 of 1,563,250 alleles (0.011%); highest among the groups gnomAD compares: African/African-American, 0.2%; no homozygotes.

Submissions (3):

Labcorp Genetics (formerly Invitae), Labcorp
Classification: Benign. Last evaluated: 2026-01-27. Review status: criteria provided, single submitter. Criteria: Invitae Variant Classification Sherloc (09022015). Collection method: clinical testing. Allele origin: germline.

Blueprint Genetics
Classification: Likely benign. Last evaluated: 2022-09-29. Review status: criteria provided, single submitter. Criteria: ACMG Guidelines, 2015. Collection method: clinical testing. Allele origin: germline.

PreventionGenetics, part of Exact Sciences
Classification: Likely benign for OVOL2-related condition. Last evaluated: 2019-08-13. Review status: no assertion criteria provided. Collection method: clinical testing. Allele origin: germline. Not counted in ClinVar's aggregate classification.
Comment: This variant is classified as likely benign based on ACMG/AMP sequence variant interpretation guidelines (Richards et al. 2015 PMID: 25741868, with internal and published modifications).

NM_021220.4(OVOL2):c.100+8C>T

Gene: OVOL2 (ovo like zinc finger 2; minus strand). Cytogenetic location: 20p11.23.
Variant type: single nucleotide variant.
Coding change: c.100+8C>T on transcript NM_021220.4 (MANE Select); 8 bases into the intron after coding-DNA position 100, C replaced by T.
Molecular consequence: intron variant.
Genome position (GRCh38, 1-based): chr20:18,057,527, G>A on the plus strand (C>T on the coding strand, the complement: OVOL2 is on the minus strand). VCF-style: chr20-18057527-G-A. GRCh37 (hg19) VCF-style: chr20-18038171-G-A.
Other names: c.-76+1553C>T (NM_001303462.1); c.-296-650C>T (NM_001303461.1).
Identifiers: ClinVar variation 3034529 (VCV003034529.4), dbSNP rs370398245, ClinGen allele CA9775303.